The following is an entry in ClinVar:

ClinVar aggregate classification (germline): Uncertain significance (1 of 4 stars; one submission).

Conditions:
Inborn genetic diseases. Identifiers: MedGen C0950123, MeSH D030342.

Submission:

Ambry Genetics
Classification: Uncertain significance for Inborn genetic diseases. Last evaluated: 2023-01-31. Review status: criteria provided, single submitter. Criteria: Ambry Variant Classification Scheme 2023. Collection method: clinical testing. Allele origin: germline.
Comment: The p.L403F variant (also known as c.1207C>T), located in coding exon 11 of the LRRK2 gene, results from a C to T substitution at nucleotide position 1207. The leucine at codon 403 is replaced by phenylalanine, an amino acid with highly similar properties. This amino acid position is conserved. In addition, the in silico prediction for this alteration is inconclusive. Since supporting evidence is limited at this time, the clinical significance of this alteration remains unclear.

NM_198578.4(LRRK2):c.1207C>T (p.Leu403Phe)

Gene: LRRK2 (leucine rich repeat kinase 2; plus strand). Cytogenetic location: 12q12.
Variant type: single nucleotide variant.
Coding change: c.1207C>T on transcript NM_198578.4 (MANE Select); coding-DNA position 1207, C replaced by T.
Protein change: p.Leu403Phe; replaces leucine 403 with phenylalanine.
Molecular consequence: missense variant.
Genome position (GRCh38, 1-based): chr12:40,252,935, C>T. VCF-style: chr12-40252935-C-T. GRCh37 (hg19) VCF-style: chr12-40646737-C-T.
Other names: short protein forms L403F.
Identifiers: ClinVar variation 2489621 (VCV002489621.2), dbSNP rs2499514604, ClinGen allele CA384409261.